The following is an entry in ClinVar:

NM_001267550.2(TTN):c.75958T>G (p.Ser25320Ala)

Genes: TTN (titin; minus strand), TTN-AS1 (TTN antisense RNA 1; plus strand). Cytogenetic location: 2q31.2.
Variant type: single nucleotide variant.
Coding change: c.75958T>G on transcript NM_001267550.2 (MANE Select); coding-DNA position 75958, T replaced by G.
Protein change: p.Ser25320Ala; replaces serine 25320 with alanine.
Molecular consequence: missense variant.
Genome position (GRCh38, 1-based): chr2:178,570,174, A>C on the plus strand (T>G on the coding strand, the complement: TTN is on the minus strand). VCF-style: chr2-178570174-A-C. GRCh37 (hg19) VCF-style: chr2-179434901-A-C.
Other names: c.71035T>G, p.Ser23679Ala (NM_001256850.1); c.48763T>G, p.Ser16255Ala (NM_003319.4); c.68254T>G, p.Ser22752Ala (NM_133378.4); c.49138T>G, p.Ser16380Ala (NM_133432.3); c.49339T>G, p.Ser16447Ala (NM_133437.4); short protein forms S16255A, S16380A, S23679A, S22752A, S16447A, S25320A.
Identifiers: ClinVar variation 682010 (VCV000682010.4), dbSNP rs772816442, ClinGen allele CA1989979.

ClinVar aggregate classification (germline): Likely benign. Review status: criteria provided, single submitter (1 of 4 stars). 2 submissions from 2 submitters: Likely benign (1). 1 of the submissions does not count toward it. Last evaluated 2021-09-30.

Conditions:
TTN-related disorder. Also called: TTN-related condition; TTN-related disease; TTN-related disorders.

Allele frequency attached by ClinVar (database versions not stated): gnomAD 0.00002; TOPMed 0.00002; ExAC 0.00003.
gnomAD v4.1: 36 of 1,613,408 alleles (0.0022%); highest among the groups gnomAD compares: Non-Finnish European, 0.0028%; no homozygotes.

Submissions (2):

GeneDx
Classification: Likely benign. Last evaluated: 2021-09-30. Review status: criteria provided, single submitter. Criteria: GeneDx Variant Classification Process June 2021. Collection method: clinical testing. Allele origin: germline. Affected: yes.

PreventionGenetics, part of Exact Sciences
Classification: Uncertain significance for TTN-related condition. Last evaluated: 2024-06-25. Review status: no assertion criteria provided. Collection method: clinical testing. Allele origin: germline. Not counted in ClinVar's aggregate classification.
Comment: The TTN c.75958T>G variant is predicted to result in the amino acid substitution p.Ser25320Ala. To our knowledge, this variant has not been reported in the literature. This variant is reported in 0.0054% of alleles in individuals of European (Non-Finnish) descent in gnomAD. At this time, the clinical significance of this variant is uncertain due to the absence of conclusive functional and genetic evidence.